The following is an entry in ClinVar:

NM_002335.4(LRP5):c.2295G>A (p.Ser765=)

Gene: LRP5 (LDL receptor related protein 5; plus strand). Cytogenetic location: 11q13.2.
Variant type: single nucleotide variant.
Coding change: c.2295G>A on transcript NM_002335.4 (MANE Select); coding-DNA position 2295, G replaced by A.
Protein change: p.Ser765=; no amino-acid change (serine 765 retained).
Molecular consequence: synonymous variant.
Genome position (GRCh38, 1-based): chr11:68,410,117, G>A. VCF-style: chr11-68410117-G-A. GRCh37 (hg19) VCF-style: chr11-68177585-G-A.
Other names: p.Ser765=; c.552G>A, p.Ser184= (NM_001291902.2).
Identifiers: ClinVar variation 193640 (VCV000193640.57), dbSNP rs140955013, ClinGen allele CA200702.

ClinVar aggregate classification (germline): Benign/Likely benign. Review status: criteria provided, multiple submitters, no conflicts (2 of 4 stars). 9 submissions from 9 submitters: Benign (2); Likely benign (6). 1 of the submissions does not count toward it. Last evaluated 2026-01-26.

Allele frequency attached by ClinVar (database versions not stated): gnomAD 0.00156; TOPMed 0.00162; ESP Exome Variant Server 0.00177; 1000 Genomes Project 30x 0.00219; 1000 Genomes Project 0.00220.
gnomAD v4.1: 925 of 1,613,792 alleles (0.057%); highest among the groups gnomAD compares: African/African-American, 0.44%; 4 homozygotes.

Submissions (13):

Labcorp Genetics (formerly Invitae), Labcorp
Classification: Benign. Last evaluated: 2026-01-26. Review status: criteria provided, single submitter. Criteria: Invitae Variant Classification Sherloc (09022015). Collection method: clinical testing. Allele origin: germline.

Mayo Clinic Laboratories, Mayo Clinic
Classification: Likely benign. Last evaluated: 2025-03-20. Review status: criteria provided, single submitter. Criteria: ACMG Guidelines, 2015. Collection method: clinical testing. Allele origin: germline. Observed: 2 variant alleles.
Comment: BS1, BP4, BP7

Blueprint Genetics
Classification: Likely benign. Last evaluated: 2024-10-15. Review status: criteria provided, single submitter. Criteria: ACMG Guidelines, 2015. Collection method: clinical testing. Allele origin: germline.

CeGaT Center for Human Genetics Tuebingen
Classification: Likely benign. Last evaluated: 2024-05-01. Review status: criteria provided, single submitter. Criteria: CeGaT Center For Human Genetics Tuebingen Variant Classification Criteria Version 2. Collection method: clinical testing. Allele origin: germline. Affected: yes. Observed: 3 variant alleles.
Comment: LRP5: BP4, BP7, BS2

ARUP Laboratories, Molecular Genetics and Genomics, ARUP Laboratories
Classification: Likely benign. Last evaluated: 2021-08-17. Review status: criteria provided, single submitter. Criteria: ARUP Molecular Germline Variant Investigation Process 2021. Collection method: clinical testing. Allele origin: germline.

GeneDx
Classification: Likely benign. Last evaluated: 2020-08-08. Review status: criteria provided, single submitter. Criteria: GeneDx Variant Classification Process June 2021. Collection method: clinical testing. Allele origin: germline. Affected: yes.

Eurofins Ntd Llc (ga)
Classification: Benign. Last evaluated: 2015-02-24. Review status: criteria provided, single submitter. Criteria: EGL Classification Definitions 2015. Collection method: clinical testing. Allele origin: germline. Observed: 2 variant alleles, 2 heterozygotes.

Breakthrough Genomics
Classification: Likely benign. Review status: criteria provided, single submitter. Criteria: ACMG Guidelines, 2015. Collection method: not provided. Allele origin: germline. Inheritance: Autosomal recessive inheritance. Affected: yes.

Genetic Services Laboratory, University of Chicago
Classification: Likely benign. Last evaluated: 2022-07-12. Review status: no assertion criteria provided. Collection method: clinical testing. Allele origin: germline. Affected: no. Not counted in ClinVar's aggregate classification.

Dr. Peter K. Rogan Lab, Western University
No classification provided (evidence only). Condition: Familial cancer of breast. Review status: no classification provided. Collection method: in vitro. Allele origin: not applicable. Functional consequence: retained intron. Not counted in ClinVar's aggregate classification.

Dr. Peter K. Rogan Lab, Western University
No classification provided (evidence only). Condition: Uterine corpus endometrial carcinoma. Review status: no classification provided. Collection method: in vitro. Allele origin: not applicable. Functional consequence: retained intron. Not counted in ClinVar's aggregate classification.

Dr. Peter K. Rogan Lab, Western University
No classification provided (evidence only). Condition: Sarcoma. Review status: no classification provided. Collection method: in vitro. Allele origin: not applicable. Functional consequence: retained intron. Not counted in ClinVar's aggregate classification.

Dr. Peter K. Rogan Lab, Western University
No classification provided (evidence only). Condition: Malignant tumor of esophagus. Review status: no classification provided. Collection method: in vitro. Allele origin: not applicable. Functional consequence: retained intron. Not counted in ClinVar's aggregate classification.